The following is an entry in ClinVar:

NM_003922.4(HERC1):c.5831G>T (p.Gly1944Val)

Gene: HERC1 (HECT and RLD domain containing E3 ubiquitin protein ligase family member 1; minus strand). Cytogenetic location: 15q22.31.
Variant type: single nucleotide variant.
Coding change: c.5831G>T on transcript NM_003922.4 (MANE Select); coding-DNA position 5831, G replaced by T.
Protein change: p.Gly1944Val; replaces glycine 1944 with valine.
Molecular consequence: missense variant.
Genome position (GRCh38, 1-based): chr15:63,690,647, C>A on the plus strand (G>T on the coding strand, the complement: HERC1 is on the minus strand). VCF-style: chr15-63690647-C-A. GRCh37 (hg19) VCF-style: chr15-63982846-C-A.
Other names: short protein forms G1944V.
Identifiers: ClinVar variation 5005445 (VCV005005445.2).

ClinVar aggregate classification (germline): Uncertain significance (1 of 4 stars; one submission).

Conditions:
Macrocephaly, dysmorphic facies, and psychomotor retardation (MDFPMR). Identifiers: Orphanet 457359, MedGen C4310766, MONDO:0014863, OMIM 617011.

gnomAD v4.1: 1 of 1,560,688 alleles (0.000064%); highest among the groups gnomAD compares: Non-Finnish European, 0.000088%; no homozygotes.

Submission:

Juno Genomics, Hangzhou Juno Genomics, Inc
Classification: Uncertain significance for Macrocephaly, dysmorphic facies, and psychomotor retardation. Review status: criteria provided, single submitter. Criteria: ACMG Guidelines, 2015. Collection method: clinical testing. Allele origin: germline.
Comment: Missense variant in a gene that has a low rate of benign missense variation.;Multiple lines of computational evidence support a deleterious effect on the gene or gene product.;Absent from controls (or at extremely low frequency if recessive) in Genome Aggregation Database.